The following is an entry in ClinVar:

ClinVar aggregate classification (germline): Likely benign. Review status: criteria provided, multiple submitters, no conflicts (2 of 4 stars). 2 submissions from 2 submitters: Likely benign (2). Last evaluated 2026-09-22.

Conditions:
FLNB-related disorder. Also called: FLNB-related condition; FLNB-related disorders. Identifiers: MedGen CN381095.

Allele frequency attached by ClinVar (database versions not stated): TOPMed 0.00003; gnomAD exomes 0.00001; ExAC 0.00002; gnomAD 0.00002.
gnomAD v4.1: 25 of 1,613,962 alleles (0.0015%); highest among the groups gnomAD compares: South Asian, 0.0055%; no homozygotes.

Submissions (2):

PreventionGenetics, part of Exact Sciences
Classification: Likely benign for FLNB-related condition. Last evaluated: 2026-09-22. Review status: criteria provided, single submitter. Criteria: ACMG Guidelines, 2015. Collection method: clinical testing. Allele origin: germline.
Comment: This variant is classified as likely benign based on ACMG/AMP sequence variant interpretation guidelines (Richards et al. 2015 PMID: 25741868, with internal and published modifications).

Labcorp Genetics (formerly Invitae), Labcorp
Classification: Likely benign. Last evaluated: 2025-08-04. Review status: criteria provided, single submitter. Criteria: Invitae Variant Classification Sherloc (09022015). Collection method: clinical testing. Allele origin: germline.

NM_001457.4(FLNB):c.6663A>G (p.Ala2221=)

Gene: FLNB (filamin B; plus strand). Cytogenetic location: 3p14.3.
Variant type: single nucleotide variant.
Coding change: c.6663A>G on transcript NM_001457.4 (MANE Select); coding-DNA position 6663, A replaced by G.
Protein change: p.Ala2221=; no amino-acid change (alanine 2221 retained).
Molecular consequence: synonymous variant.
Genome position (GRCh38, 1-based): chr3:58,154,819, A>G. VCF-style: chr3-58154819-A-G. GRCh37 (hg19) VCF-style: chr3-58140546-A-G.
Other names: c.6756A>G, p.Ala2252= (NM_001164317.2); c.6630A>G, p.Ala2210= (NM_001164318.2); c.6591A>G, p.Ala2197= (NM_001164319.2); c.6663A>G (NM_001457.3).
Identifiers: ClinVar variation 3017023 (VCV003017023.4), dbSNP rs756764093, ClinGen allele CA2469459.